The following is an entry in ClinVar:

ClinVar aggregate classification (germline): Uncertain significance. Review status: criteria provided, multiple submitters, no conflicts (2 of 4 stars). 2 submissions from 2 submitters: Uncertain significance (2). Last evaluated 2023-08-11.

Conditions:
Hereditary cancer-predisposing syndrome. Also called: Neoplastic Syndromes, Hereditary; Tumor predisposition; Hereditary Cancer Syndrome; Hereditary neoplastic syndrome. Identifiers: Orphanet 140162, MedGen C0027672, MeSH D009386, MONDO:0015356.
Hereditary breast ovarian cancer syndrome. Also called: BRCA1- and BRCA2-Associated Hereditary Breast and Ovarian Cancer; Hereditary breast and ovarian cancer syndrome; Hereditary breast and ovarian cancer; Hereditary breast and ovarian cancer syndrome (HBOC); Breast and ovarian cancer; Hereditary breast and/or ovarian cancer syndrome. Identifiers: Orphanet 145, MedGen C0677776, MeSH D061325, MONDO:0003582. Disease mechanism: loss of function.

Submissions (2):

Labcorp Genetics (formerly Invitae), Labcorp
Classification: Uncertain significance for Hereditary breast ovarian cancer syndrome. Last evaluated: 2023-08-11. Review status: criteria provided, single submitter. Criteria: Invitae Variant Classification Sherloc (09022015). Collection method: clinical testing. Allele origin: germline.
Comment: In summary, the available evidence is currently insufficient to determine the role of this variant in disease. Therefore, it has been classified as a Variant of Uncertain Significance. Advanced modeling of protein sequence and biophysical properties (such as structural, functional, and spatial information, amino acid conservation, physicochemical variation, residue mobility, and thermodynamic stability) has been performed at Invitae for this missense variant, however the output from this modeling did not meet the statistical confidence thresholds required to predict the impact of this variant on BRCA2 protein function. ClinVar contains an entry for this variant (Variation ID: 919560). This variant has not been reported in the literature in individuals affected with BRCA2-related conditions. This variant is not present in population databases (gnomAD no frequency). This sequence change replaces glycine, which is neutral and non-polar, with alanine, which is neutral and non-polar, at codon 2596 of the BRCA2 protein (p.Gly2596Ala).

Color Diagnostics, LLC DBA Color Health
Classification: Uncertain significance for Hereditary cancer-predisposing syndrome. Last evaluated: 2019-11-01. Review status: criteria provided, single submitter. Criteria: ACMG Guidelines, 2015. Collection method: clinical testing. Allele origin: germline.
Comment: This missense variant replaces glycine with alanine at codon 2596 of the BRCA2 protein. Computational prediction suggests that this variant may have deleterious impact on protein structure and function (internally defined REVEL score threshold >= 0.7, PMID: 27666373). Splice site prediction tools suggest that this variant may not impact RNA splicing. To our knowledge, functional studies have not been performed for this variant. This variant has not been reported in individuals affected with hereditary cancer in the literature. This variant has not been identified in the general population by the Genome Aggregation Database (gnomAD). The available evidence is insufficient to determine the role of this variant in disease conclusively. Therefore, this variant is classified as a Variant of Uncertain Significance.

NM_000059.4(BRCA2):c.7787G>C (p.Gly2596Ala)

Gene: BRCA2 (BRCA2 DNA repair associated; plus strand). Cytogenetic location: 13q13.1.
Variant type: single nucleotide variant.
Coding change: c.7787G>C on transcript NM_000059.4 (MANE Select); coding-DNA position 7787, G replaced by C.
Protein change: p.Gly2596Ala; replaces glycine 2596 with alanine.
Molecular consequence: missense variant.
Genome position (GRCh38, 1-based): chr13:32,357,911, G>C. VCF-style: chr13-32357911-G-C. GRCh37 (hg19) VCF-style: chr13-32932048-G-C.
Other names: short protein forms G2596A.
Identifiers: ClinVar variation 919560 (VCV000919560.13), dbSNP rs1064795140, ClinGen allele CA387746017.
Genomic context (GRCh38, chr13:32,357,911, plus strand): 5'-GAAAAGGAATACAGTTGGCTGATGGTGGATGGCTCATACCCTCCAATGATGGAAAGGCTG[G>C]AAAAGAAGAATTTTATAGGTACTCTATGCAAAAAGATTGTGTGTTAACTTTTATGTATTC-3'
Protein context (NP_000050.3, residues 2586-2606): WLIPSNDGKA[Gly2596Ala]KEEFYRALCD